The following is an entry in ClinVar:

NM_006180.6(NTRK2):c.1972G>C (p.Gly658Arg)

Gene: NTRK2 (neurotrophic receptor tyrosine kinase 2; plus strand). Cytogenetic location: 9q21.33.
Variant type: single nucleotide variant.
Coding change: c.1972G>C on transcript NM_006180.6 (MANE Select); coding-DNA position 1972, G replaced by C.
Protein change: p.Gly658Arg; replaces glycine 658 with arginine.
Molecular consequence: missense variant.
Genome position (GRCh38, 1-based): chr9:84,955,317, G>C. VCF-style: chr9-84955317-G-C. GRCh37 (hg19) VCF-style: chr9-87570232-G-C.
Other names: c.1972G>C (NM_006180.4); c.1924G>C, p.Gly642Arg (NM_001018064.3, NM_001369532.1, NM_001369533.1); c.1888G>C, p.Gly630Arg (NM_001369534.1); c.1456G>C, p.Gly486Arg (NM_001369535.1); c.1504G>C, p.Gly502Arg (NM_001369536.1); c.1972G>C, p.Gly658Arg (NM_001381928.1); short protein forms G486R, G502R, G642R, G630R, G658R.
Identifiers: ClinVar variation 2700856 (VCV002700856.4), dbSNP rs1310111405, ClinGen allele CA374009960.

ClinVar aggregate classification (germline): Uncertain significance. Review status: criteria provided, multiple submitters, no conflicts (2 of 4 stars). 2 submissions from 2 submitters: Uncertain significance (2). Last evaluated 2026-05-13.

Conditions:
NTRK2-related disorder. Also called: NTRK2-related condition.

Allele frequency attached by ClinVar (database versions not stated): gnomAD exomes below 0.00001.
gnomAD v4.1: 1 of 1,609,498 alleles (0.000062%); highest among the groups gnomAD compares: Admixed American, 0.0017%; no homozygotes.

Submissions (2):

PreventionGenetics, part of Exact Sciences
Classification: Uncertain significance for NTRK2-related condition. Last evaluated: 2026-05-13. Review status: criteria provided, single submitter. Criteria: ACMG Guidelines, 2015. Collection method: clinical testing. Allele origin: germline.
Comment: The NTRK2 c.1972G>C variant is predicted to result in the amino acid substitution p.Gly658Arg. To our knowledge, this variant has not been reported in the literature or in a large population database (gnomAD), indicating this variant is rare. At this time, the clinical significance of this variant is uncertain due to the absence of conclusive functional and genetic evidence.

Labcorp Genetics (formerly Invitae), Labcorp
Classification: Uncertain significance. Last evaluated: 2023-12-04. Review status: criteria provided, single submitter. Criteria: Invitae Variant Classification Sherloc (09022015). Collection method: clinical testing. Allele origin: germline.
Comment: This sequence change replaces glycine, which is neutral and non-polar, with arginine, which is basic and polar, at codon 658 of the NTRK2 protein (p.Gly658Arg). This variant is not present in population databases (gnomAD no frequency). This variant has not been reported in the literature in individuals affected with NTRK2-related conditions. Advanced modeling of protein sequence and biophysical properties (such as structural, functional, and spatial information, amino acid conservation, physicochemical variation, residue mobility, and thermodynamic stability) performed at Invitae indicates that this missense variant is not expected to disrupt NTRK2 protein function with a negative predictive value of 80%. In summary, the available evidence is currently insufficient to determine the role of this variant in disease. Therefore, it has been classified as a Variant of Uncertain Significance.